The following is an entry in ClinVar:

ClinVar aggregate classification (germline): Likely pathogenic (1 of 4 stars; one submission).

Submission:

Labcorp Genetics (formerly Invitae), Labcorp
Classification: Likely pathogenic. Last evaluated: 2023-10-14. Review status: criteria provided, single submitter. Criteria: Invitae Variant Classification Sherloc (09022015). Collection method: clinical testing. Allele origin: germline.
Comment: This sequence change affects an acceptor splice site in intron 1 of the LRPPRC gene. It is expected to disrupt RNA splicing. Variants that disrupt the donor or acceptor splice site typically lead to a loss of protein function (PMID: 16199547), and loss-of-function variants in LRPPRC are known to be pathogenic (PMID: 26510951). This variant is not present in population databases (gnomAD no frequency). This variant has not been reported in the literature in individuals affected with LRPPRC-related conditions. Algorithms developed to predict the effect of sequence changes on RNA splicing suggest that this variant may disrupt the consensus splice site. In summary, the currently available evidence indicates that the variant is pathogenic, but additional data are needed to prove that conclusively. Therefore, this variant has been classified as Likely Pathogenic.

Literature cited by the submitters: PubMed 16199547; PubMed 26510951.

NM_133259.4(LRPPRC):c.150-1G>T

Gene: LRPPRC (leucine rich pentatricopeptide repeat containing; minus strand). Cytogenetic location: 2p21.
Variant type: single nucleotide variant.
Coding change: c.150-1G>T on transcript NM_133259.4 (MANE Select); the canonical splice acceptor site of the intron before coding-DNA position 150, G replaced by T.
Molecular consequence: splice acceptor variant.
Genome position (GRCh38, 1-based): chr2:43,982,435, C>A on the plus strand (G>T on the coding strand, the complement: LRPPRC is on the minus strand). VCF-style: chr2-43982435-C-A. GRCh37 (hg19) VCF-style: chr2-44209574-C-A.
Identifiers: ClinVar variation 2768315 (VCV002768315.3), dbSNP rs2466696030, ClinGen allele CA346678459.